The following is an entry in ClinVar:

ClinVar aggregate classification (germline): Uncertain significance. Review status: criteria provided, multiple submitters, no conflicts (2 of 4 stars). 2 submissions from 2 submitters: Uncertain significance (2). Last evaluated 2023-12-17.

Allele frequency attached by ClinVar (database versions not stated): gnomAD exomes below 0.00001; ExAC 0.00001.
gnomAD v4.1: 3 of 1,210,204 alleles (0.00025%); highest among the groups gnomAD compares: Non-Finnish European, 0.00022%; no homozygotes.

Submissions (2):

Labcorp Genetics (formerly Invitae), Labcorp
Classification: Uncertain significance. Last evaluated: 2023-12-17. Review status: criteria provided, single submitter. Criteria: Invitae Variant Classification Sherloc (09022015). Collection method: clinical testing. Allele origin: germline.
Comment: This sequence change replaces arginine, which is basic and polar, with tryptophan, which is neutral and slightly polar, at codon 1560 of the CACNA1F protein (p.Arg1560Trp). This variant is present in population databases (rs782017505, gnomAD 0.002%). This variant has not been reported in the literature in individuals affected with CACNA1F-related conditions. ClinVar contains an entry for this variant (Variation ID: 1977388). Advanced modeling of protein sequence and biophysical properties (such as structural, functional, and spatial information, amino acid conservation, physicochemical variation, residue mobility, and thermodynamic stability) has been performed at Invitae for this missense variant, however the output from this modeling did not meet the statistical confidence thresholds required to predict the impact of this variant on CACNA1F protein function. In summary, the available evidence is currently insufficient to determine the role of this variant in disease. Therefore, it has been classified as a Variant of Uncertain Significance.

Blueprint Genetics
Classification: Uncertain significance. Last evaluated: 2018-06-20. Review status: criteria provided, single submitter. Criteria: ACMG Guidelines, 2015. Collection method: clinical testing. Allele origin: germline.

NM_001256789.3(CACNA1F):c.4645C>T (p.Arg1549Trp)

Genes: CACNA1F (calcium voltage-gated channel subunit alpha1 F; minus strand), LOC126863257 (BRD4-independent group 4 enhancer GRCh37_chrX:49065732-49066931; plus strand). Cytogenetic location: Xp11.23.
Variant type: single nucleotide variant.
Coding change: c.4645C>T on transcript NM_001256789.3 (MANE Select); coding-DNA position 4645, C replaced by T.
Protein change: p.Arg1549Trp; replaces arginine 1549 with tryptophan.
Molecular consequence: missense variant.
Genome position (GRCh38, 1-based): chrX:49,209,986, G>A on the plus strand (C>T on the coding strand, the complement: CACNA1F is on the minus strand). VCF-style: chrX-49209986-G-A. GRCh37 (hg19) VCF-style: chrX-49066446-G-A.
Other names: c.4483C>T, p.Arg1495Trp (NM_001256790.3); c.4678C>T, p.Arg1560Trp (NM_005183.4); short protein forms R1549W, R1495W, R1560W.
Identifiers: ClinVar variation 1977388 (VCV001977388.6), dbSNP rs782017505, ClinGen allele CA10410150.